The following is an entry in ClinVar:

NM_153252.5(BRWD3):c.4757G>A (p.Gly1586Glu)

Gene: BRWD3 (bromodomain and WD repeat domain containing 3; minus strand). Cytogenetic location: Xq21.1.
Variant type: single nucleotide variant.
Coding change: c.4757G>A on transcript NM_153252.5 (MANE Select); coding-DNA position 4757, G replaced by A.
Protein change: p.Gly1586Glu; replaces glycine 1586 with glutamic acid.
Molecular consequence: missense variant.
Genome position (GRCh38, 1-based): chrX:80,677,261, C>T on the plus strand (G>A on the coding strand, the complement: BRWD3 is on the minus strand). VCF-style: chrX-80677261-C-T. GRCh37 (hg19) VCF-style: chrX-79932760-C-T.
Other names: short protein forms G1586E.
Identifiers: ClinVar variation 379244 (VCV000379244.2), dbSNP rs755920850, ClinGen allele CA10461598.

ClinVar aggregate classification (germline): Uncertain significance (1 of 4 stars; one submission).

Allele frequency attached by ClinVar (database versions not stated): ExAC 0.00001; gnomAD 0.00001; gnomAD exomes 0.00002.
gnomAD v4.1: 19 of 1,208,740 alleles (0.0016%); highest among the groups gnomAD compares: South Asian, 0.03%; no homozygotes.

Submission:

GeneDx
Classification: Uncertain significance. Last evaluated: 2016-03-17. Review status: criteria provided, single submitter. Criteria: GeneDx Variant Classification (06012015). Collection method: clinical testing. Allele origin: germline. Affected: yes.
Comment: The G1586E variant in the BRWD3 gene has not been reported previously as a pathogenic variant, nor as a benign variant, to our knowledge. The G1586E variant was not observed in approximately 6500 individuals of European and African American ancestry in the NHLBI Exome Sequencing Project, indicating it is not a common benign variant in these populations. The G1586E variant is a non-conservative amino acid substitution, which is likely to impact secondary protein structure as these residues differ in polarity, charge, size and/or other properties. This substitution occurs at a position that is not conserved across species. In silico analysis predicts this variant likely does not alter the protein structure/function. We interpret G1586E as a variant of uncertain significance.